The following is an entry in ClinVar:

NM_177438.3(DICER1):c.625A>G (p.Ile209Val)

Gene: DICER1 (dicer 1, ribonuclease III; minus strand). Cytogenetic location: 14q32.13.
Variant type: single nucleotide variant.
Coding change: c.625A>G on transcript NM_177438.3 (MANE Select); coding-DNA position 625, A replaced by G.
Protein change: p.Ile209Val; replaces isoleucine 209 with valine.
Molecular consequence: missense variant.
Genome position (GRCh38, 1-based): chr14:95,129,581, T>C on the plus strand (A>G on the coding strand, the complement: DICER1 is on the minus strand). VCF-style: chr14-95129581-T-C. GRCh37 (hg19) VCF-style: chr14-95595918-T-C.
Other names: c.625A>G, p.Ile209Val (NM_001195573.1, NM_001271282.3, NM_001291628.2 and 1 more transcripts); c.625A>G (NM_177438.2); short protein forms I209V.
Identifiers: ClinVar variation 1478472 (VCV001478472.12), dbSNP rs2140260977, ClinGen allele CA390888204.
Genomic context (GRCh38, chr14:95,129,581, plus strand): 5'-TTTTCTCTAGTTTCTGAATCTTTTCTTCCAATTCCTCTGGATCACATTTCCCATTTAAAA[T>C]GGAAGCAGTTAGTCCCAAAATGCGAGGACATGATGGACAATTTTCACAGAGCTAACATAA-3'
Protein context (NP_803187.1, residues 199-219): CPRILGLTAS[Ile209Val]LNGKCDPEEL

ClinVar aggregate classification (germline): Uncertain significance. Review status: criteria provided, multiple submitters, no conflicts (2 of 4 stars). 3 submissions from 3 submitters: Uncertain significance (3). Last evaluated 2025-05-05.

Conditions:
Pleuropulmonary blastoma (PPB). Identifiers: Orphanet 64742, MedGen C1266144, MONDO:0011014, OMIM 601200, HP:0100528.
DICER1-related tumor predisposition. Also called: DICER1-related pleuropulmonary blastoma cancer predisposition syndrome; DICER1 syndrome. Identifiers: Orphanet 284343, MedGen C3839822, MONDO:0100216.

Submissions (3):

GeneDx
Classification: Uncertain significance. Last evaluated: 2025-05-05. Review status: criteria provided, single submitter. Criteria: GeneDx Variant Classification Process June 2021. Collection method: clinical testing. Allele origin: germline. Affected: yes.
Comment: Not observed at significant frequency in large population cohorts (gnomAD); In silico analysis suggests that this missense variant does not alter protein structure/function; Has not been previously published as pathogenic or benign to our knowledge

Labcorp Genetics (formerly Invitae), Labcorp
Classification: Uncertain significance for DICER1-related tumor predisposition. Last evaluated: 2024-12-12. Review status: criteria provided, single submitter. Criteria: Invitae Variant Classification Sherloc (09022015). Collection method: clinical testing. Allele origin: germline.
Comment: This sequence change replaces isoleucine, which is neutral and non-polar, with valine, which is neutral and non-polar, at codon 209 of the DICER1 protein (p.Ile209Val). This variant is not present in population databases (gnomAD no frequency). This variant has not been reported in the literature in individuals affected with DICER1-related conditions. ClinVar contains an entry for this variant (Variation ID: 1478472). Invitae Evidence Modeling of protein sequence and biophysical properties (such as structural, functional, and spatial information, amino acid conservation, physicochemical variation, residue mobility, and thermodynamic stability) indicates that this missense variant is not expected to disrupt DICER1 protein function with a negative predictive value of 95%. In summary, the available evidence is currently insufficient to determine the role of this variant in disease. Therefore, it has been classified as a Variant of Uncertain Significance.

MGZ Medical Genetics Center
Classification: Uncertain significance for Pleuropulmonary blastoma. Last evaluated: 2022-07-11. Review status: criteria provided, single submitter. Criteria: ACMG Guidelines, 2015. Collection method: clinical testing. Allele origin: germline. Affected: yes. Observed: 1 variant allele.
Comment: ACMG criteria applied: PM2_SUP, BP4